The following is an entry in ClinVar:

NM_000132.4(F8):c.1336C>T (p.Arg446Ter)

Gene: F8 (coagulation factor VIII; minus strand). Cytogenetic location: Xq28.
Variant type: single nucleotide variant.
Coding change: c.1336C>T on transcript NM_000132.4 (MANE Select); coding-DNA position 1336, C replaced by T.
Protein change: p.Arg446Ter; replaces arginine 446 with a stop codon.
Molecular consequence: nonsense.
Genome position (GRCh38, 1-based): chrX:154,966,077, G>A on the plus strand (C>T on the coding strand, the complement: F8 is on the minus strand). VCF-style: chrX-154966077-G-A. GRCh37 (hg19) VCF-style: chrX-154194352-G-A.
Other names: F8, ARG427TER; R427*; short protein forms R446*.
Identifiers: ClinVar variation 10145 (VCV000010145.3), dbSNP rs137852372, ClinGen allele CA255038.
Genomic context (GRCh38, chrX:154,966,077, plus strand): 5'-CTGATTCATGCTGAATAGCTTCACGAGTCTTAAAGGTTTCATCTGTGTATGCCATAAATC[G>A]GACTTTTTTGTACTTCCTACCAATCCGCTGAGGGCCATTGTTCAAATATTGACTTTTATA-3'

ClinVar aggregate classification (germline): Pathogenic. Review status: criteria provided, multiple submitters, no conflicts (2 of 4 stars). 3 submissions from 3 submitters: Pathogenic (2). 1 of the submissions does not count toward it. Last evaluated 2025-05-05.

Conditions:
Thrombophilia, X-linked, due to factor 8 defect. Also called: THROMBOPHILIA, X-LINKED, DUE TO FACTOR VIII DEFECT; Thrombophilia 13, X-linked, due to factor VIII defect. Identifiers: MedGen C5676879, MONDO:0859082, OMIM 301071.
Hereditary factor VIII deficiency disease (HEMA). Also called: HEMOPHILIA, CLASSIC; Hemophilia A; Hemophilia A, congenital; HEM A; Factor 8 deficiency, congenital; AUTOSOMAL HEMOPHILIA A. Identifiers: Orphanet 98878, MedGen C0019069, MONDO:0010602, OMIM 306700.

Submissions (3):

Myriad Genetics, Inc.
Classification: Pathogenic for Hereditary factor VIII deficiency disease. Last evaluated: 2025-05-05. Review status: criteria provided, single submitter. Criteria: Myriad Autosomal Dominant, Autosomal Recessive and X-Linked Classification Criteria (2023). Collection method: clinical testing. Allele origin: unknown.
Comment: NM_000132.3(F8):c.1336C>T(R446*) is a nonsense variant classified as pathogenic in the context of hemophilia A. R446* has been observed in cases with relevant disease (PMID: 1979502, 29381227, 35014236). Relevant functional assessments of this variant are not available in the literature. R446* has not been observed in referenced population frequency databases. In summary, NM_000132.3(F8):c.1336C>T(R446*) is a nonsense variant in a gene where loss of function is a known mechanism of disease, is predicted to disrupt protein function, and has been observed more frequently in cases with the relevant disease than in healthy populations. Please note: this variant was assessed in the context of healthy population screening.

Mendelics
Classification: Pathogenic for Thrombophilia, X-linked, due to factor 8 defect. Last evaluated: 2022-05-04. Review status: criteria provided, single submitter. Criteria: Mendelics Assertion Criteria 2019. Collection method: clinical testing. Allele origin: germline.

OMIM
Classification: Pathogenic for HEMOPHILIA A. Last evaluated: 1990-10-01. Review status: no assertion criteria provided. Collection method: literature only. Allele origin: germline. Not counted in ClinVar's aggregate classification.

Literature cited by the submitters: PubMed 1979502 (cited by Myriad Genetics, Inc.); PubMed 29381227 (cited by Myriad Genetics, Inc.); PubMed 35014236 (cited by Myriad Genetics, Inc.); PubMed 2121641 (cited by OMIM).